The following is an entry in ClinVar:

NM_001146.5(ANGPT1):c.461A>C (p.Asn154Thr)

Gene: ANGPT1 (angiopoietin 1; minus strand). Cytogenetic location: 8q23.1.
Variant type: single nucleotide variant.
Coding change: c.461A>C on transcript NM_001146.5 (MANE Select); coding-DNA position 461, A replaced by C.
Protein change: p.Asn154Thr; replaces asparagine 154 with threonine.
Molecular consequence: missense variant. On other transcripts: 5 prime UTR variant (1).
Genome position (GRCh38, 1-based): chr8:107,336,264, T>G on the plus strand (A>C on the coding strand, the complement: ANGPT1 is on the minus strand). VCF-style: chr8-107336264-T-G. GRCh37 (hg19) VCF-style: chr8-108348492-T-G.
Other names: c.461A>C, p.Asn154Thr (NM_001199859.3); c.-140A>C (NM_001314051.2); short protein forms N154T.
Identifiers: ClinVar variation 1987512 (VCV001987512.4), dbSNP rs777681150, ClinGen allele CA4841346.

ClinVar aggregate classification (germline): Uncertain significance (1 of 4 stars; one submission).

Allele frequency attached by ClinVar (database versions not stated): ExAC 0.00001; gnomAD 0.00001; TOPMed 0.00001; gnomAD exomes 0.00002.
gnomAD v4.1: 23 of 1,596,982 alleles (0.0014%); highest among the groups gnomAD compares: Non-Finnish European, 0.0018%; no homozygotes.

Submission:

Labcorp Genetics (formerly Invitae), Labcorp
Classification: Uncertain significance. Last evaluated: 2024-01-04. Review status: criteria provided, single submitter. Criteria: Invitae Variant Classification Sherloc (09022015). Collection method: clinical testing. Allele origin: germline.
Comment: This sequence change replaces asparagine, which is neutral and polar, with threonine, which is neutral and polar, at codon 154 of the ANGPT1 protein (p.Asn154Thr). This variant is present in population databases (rs777681150, gnomAD 0.004%). This variant has not been reported in the literature in individuals affected with ANGPT1-related conditions. ClinVar contains an entry for this variant (Variation ID: 1987512). An algorithm developed to predict the effect of missense changes on protein structure and function (PolyPhen-2) suggests that this variant is likely to be disruptive. In summary, the available evidence is currently insufficient to determine the role of this variant in disease. Therefore, it has been classified as a Variant of Uncertain Significance.